The following is an entry in ClinVar:

NM_145239.3(PRRT2):c.914G>A (p.Gly305Glu)

Genes: MVP-DT (MVP divergent transcript; minus strand), PRRT2 (proline rich transmembrane protein 2; plus strand). Cytogenetic location: 16p11.2.
Variant type: single nucleotide variant.
Coding change: c.914G>A on transcript NM_145239.3 (MANE Select); coding-DNA position 914, G replaced by A.
Protein change: p.Gly305Glu; replaces glycine 305 with glutamic acid.
Molecular consequence: missense variant. On other transcripts: 3 prime UTR variant (1).
Genome position (GRCh38, 1-based): chr16:29,814,367, G>A. VCF-style: chr16-29814367-G-A. GRCh37 (hg19) VCF-style: chr16-29825688-G-A.
Other names: c.914G>A, p.Gly305Glu (NM_001256442.2); c.*413G>A (NM_001256443.2); short protein forms G305E.
Identifiers: ClinVar variation 1707531 (VCV001707531.2), dbSNP rs1220798796, ClinGen allele CA395480574.
Genomic context (GRCh38, chr16:29,814,367, plus strand): 5'-GCCTCCACCCCTCGCCCTAACCCCAGTCCCGGAACAGCCTGCAGCAGGGGGACGTGGACG[G>A]GGCCCAGCGTCTGGGCCGGGTAGCCAAGCTCTTAAGCATCGTGGCGCTGGTGGGGGGAGT-3'
Protein context (NP_660282.2, residues 295-315): RNSLQQGDVD[Gly305Glu]AQRLGRVAKL

ClinVar aggregate classification (germline): Conflicting classifications of pathogenicity. Review status: criteria provided, conflicting classifications (1 of 4 stars). 2 submissions from 2 submitters: Likely pathogenic (1); Uncertain significance (1). Last evaluated 2022-09-07.

Conditions:
Seizures, benign familial infantile, 2 (BFIS2). Also called: CONVULSIONS, BENIGN FAMILIAL INFANTILE, 2. Identifiers: Orphanet 306, MedGen C1853995, MONDO:0011593, OMIM 605751.

Submissions (2):

Institute of Human Genetics, University of Leipzig Medical Center
Classification: Likely pathogenic for Seizures, benign familial infantile, 2. Last evaluated: 2022-09-07. Review status: criteria provided, single submitter. Criteria: ACMG Guidelines, 2015. Collection method: clinical testing. Allele origin: maternal. Affected: yes.
Comment: _x000D_ Criteria applied: PM5_STR, PM1, PS4_SUP, PM2_SUP, PP3

Blueprint Genetics
Classification: Uncertain significance. Last evaluated: 2018-10-18. Review status: criteria provided, single submitter. Criteria: ACMG Guidelines, 2015. Collection method: clinical testing. Allele origin: germline.